The following is an entry in ClinVar:

NM_000399.5(EGR2):c.139C>T (p.Pro47Ser)

Gene: EGR2 (early growth response 2; minus strand). Cytogenetic location: 10q21.3.
Variant type: single nucleotide variant.
Coding change: c.139C>T on transcript NM_000399.5 (MANE Select); coding-DNA position 139, C replaced by T.
Protein change: p.Pro47Ser; replaces proline 47 with serine.
Molecular consequence: missense variant. On other transcripts: 5 prime UTR variant (2).
Genome position (GRCh38, 1-based): chr10:62,815,891, G>A on the plus strand (C>T on the coding strand, the complement: EGR2 is on the minus strand). VCF-style: chr10-62815891-G-A. GRCh37 (hg19) VCF-style: chr10-64575651-G-A.
Other names: c.139C>T, p.Pro47Ser (NM_001136177.3, NM_001136178.2); c.-12C>T (NM_001136179.3, NM_001321037.2); short protein forms P47S.
Identifiers: ClinVar variation 845788 (VCV000845788.8), dbSNP rs778369129, ClinGen allele CA377034112.

ClinVar aggregate classification (germline): Uncertain significance (1 of 4 stars; one submission).

Conditions:
Charcot-Marie-Tooth disease, type I (CMT1). Also called: Charcot-Marie-Tooth, Type 1; Charcot-Marie-Tooth disease type 1. Identifiers: Orphanet 65753, MedGen C0751036, MONDO:0019011.

Allele frequency attached by ClinVar (database versions not stated): TOPMed 0.00002.

Submission:

Labcorp Genetics (formerly Invitae), Labcorp
Classification: Uncertain significance for Charcot-Marie-Tooth disease, type I. Last evaluated: 2024-07-02. Review status: criteria provided, single submitter. Criteria: Invitae Variant Classification Sherloc (09022015). Collection method: clinical testing. Allele origin: germline.
Comment: This sequence change replaces proline, which is neutral and non-polar, with serine, which is neutral and polar, at codon 47 of the EGR2 protein (p.Pro47Ser). This variant is present in population databases (no rsID available, gnomAD 0.01%). This variant has not been reported in the literature in individuals affected with EGR2-related conditions. ClinVar contains an entry for this variant (Variation ID: 845788). Advanced modeling of protein sequence and biophysical properties (such as structural, functional, and spatial information, amino acid conservation, physicochemical variation, residue mobility, and thermodynamic stability) has been performed at Invitae for this missense variant, however the output from this modeling did not meet the statistical confidence thresholds required to predict the impact of this variant on EGR2 protein function. In summary, the available evidence is currently insufficient to determine the role of this variant in disease. Therefore, it has been classified as a Variant of Uncertain Significance.